The following is an entry in ClinVar:

ClinVar aggregate classification (germline): Uncertain significance. Review status: criteria provided, single submitter (1 of 4 stars). 2 submissions from 2 submitters: Uncertain significance (1). 1 of the submissions does not count toward it. Last evaluated 2024-06-17.

Conditions:
KSR2-related disorder. Also called: KSR2-related condition.

Allele frequency attached by ClinVar (database versions not stated): ExAC 0.00001; gnomAD exomes 0.00001; gnomAD 0.00003; TOPMed 0.00003; ESP Exome Variant Server 0.00010.
gnomAD v4.1: 21 of 1,605,334 alleles (0.0013%); highest among the groups gnomAD compares: African/African-American, 0.0053%; no homozygotes.

Submissions (2):

Labcorp Genetics (formerly Invitae), Labcorp
Classification: Uncertain significance. Last evaluated: 2024-06-17. Review status: criteria provided, single submitter. Criteria: Invitae Variant Classification Sherloc (09022015). Collection method: clinical testing. Allele origin: germline.
Comment: This sequence change falls in intron 1 of the KSR2 gene. It does not directly change the encoded amino acid sequence of the KSR2 protein. It affects a nucleotide within the consensus splice site. The frequency data for this variant in the population databases is considered unreliable, as metrics indicate poor data quality at this position in the gnomAD database. This variant has not been reported in the literature in individuals affected with KSR2-related conditions. Variants that disrupt the consensus splice site are a relatively common cause of aberrant splicing (PMID: 17576681, 9536098). Algorithms developed to predict the effect of sequence changes on RNA splicing suggest that this variant is not likely to affect RNA splicing. In summary, the available evidence is currently insufficient to determine the role of this variant in disease. Therefore, it has been classified as a Variant of Uncertain Significance.

PreventionGenetics, part of Exact Sciences
Classification: Likely benign for KSR2-related condition. Last evaluated: 2022-10-06. Review status: no assertion criteria provided. Collection method: clinical testing. Allele origin: germline. Not counted in ClinVar's aggregate classification.
Comment: This variant is classified as likely benign based on ACMG/AMP sequence variant interpretation guidelines (Richards et al. 2015 PMID: 25741868, with internal and published modifications).

Literature cited by the submitters: PubMed 17576681 (cited by Labcorp Genetics (formerly Invitae), Labcorp); PubMed 9536098 (cited by Labcorp Genetics (formerly Invitae), Labcorp).

NM_173598.6(KSR2):c.181-3C>T

Gene: KSR2 (kinase suppressor of ras 2; minus strand). Cytogenetic location: 12q24.23.
Variant type: single nucleotide variant.
Coding change: c.181-3C>T on transcript NM_173598.6 (MANE Select); 3 bases into the intron before coding-DNA position 181, C replaced by T.
Molecular consequence: intron variant.
Genome position (GRCh38, 1-based): chr12:117,860,434, G>A on the plus strand (C>T on the coding strand, the complement: KSR2 is on the minus strand). VCF-style: chr12-117860434-G-A. GRCh37 (hg19) VCF-style: chr12-118298239-G-A.
Identifiers: ClinVar variation 3032758 (VCV003032758.4), dbSNP rs377494868, ClinGen allele CA6816418.
Genomic context (GRCh38, chr12:117,860,434, plus strand): 5'-GCAAGGCTACCTTCTTTTTGCAGGACAGCTGCCGGCTGAAGTACTTCACCAGCTTGCTCT[G>A]TGGAGACACAGACGAGGACAGAGGACACATCTCAGAGGCAGTGACACAAGGAAGAGAGGC-3'